The following is an entry in ClinVar:

ClinVar aggregate classification (germline): Uncertain significance (1 of 4 stars; one submission).

Allele frequency attached by ClinVar (database versions not stated): gnomAD exomes below 0.00001 and 0.00001.
gnomAD v4.1: 3 of 1,211,141 alleles (0.00025%); highest among the groups gnomAD compares: South Asian, 0.0035%; no homozygotes.

Submission:

CeGaT Center for Human Genetics Tuebingen
Classification: Uncertain significance. Last evaluated: 2026-02-01. Review status: criteria provided, single submitter. Criteria: CeGaT Center For Human Genetics Tuebingen Variant Classification Criteria Version 2. Collection method: clinical testing. Allele origin: germline. Affected: yes. Observed: 1 variant allele.
Comment: TBC1D8B: PM2

NM_017752.3(TBC1D8B):c.2030C>T (p.Ala677Val)

Gene: TBC1D8B (TBC1 domain family member 8B; plus strand). Cytogenetic location: Xq22.3.
Variant type: single nucleotide variant.
Coding change: c.2030C>T on transcript NM_017752.3 (MANE Select); coding-DNA position 2030, C replaced by T.
Protein change: p.Ala677Val; replaces alanine 677 with valine.
Molecular consequence: missense variant.
Genome position (GRCh38, 1-based): chrX:106,850,217, C>T. VCF-style: chrX-106850217-C-T. GRCh37 (hg19) VCF-style: chrX-106093447-C-T.
Other names: short protein forms A677V.
Identifiers: ClinVar variation 1676178 (VCV001676178.33), dbSNP rs1396136655, ClinGen allele CA413810275.